The following is an entry in ClinVar:

NM_000969.5(RPL5):c.613G>A (p.Ala205Thr)

Genes: DIPK1A (divergent protein kinase domain 1A; minus strand), RPL5 (ribosomal protein L5; plus strand). Cytogenetic location: 1p22.1.
Variant type: single nucleotide variant.
Coding change: c.613G>A on transcript NM_000969.5 (MANE Select); coding-DNA position 613, G replaced by A.
Protein change: p.Ala205Thr; replaces alanine 205 with threonine.
Molecular consequence: missense variant. On other transcripts: non-coding transcript variant (1), intron variant (1).
Genome position (GRCh38, 1-based): chr1:92,837,541, G>A. VCF-style: chr1-92837541-G-A. GRCh37 (hg19) VCF-style: chr1-93303098-G-A.
Other names: c.475-4507C>T (NM_001252273.2); short protein forms A205T.
Identifiers: ClinVar variation 656230 (VCV000656230.11), dbSNP rs1571031819, ClinGen allele CA341242951.
Genomic context (GRCh38, chr1:92,837,541, plus strand): 5'-TCTGAAAGCAAGGAATTTAATGCAGAAGTACATCGGAAGCACATCATGGGCCAGAATGTT[G>A]CAGATTACATGCGCTACTTAATGGAAGAAGATGAAGATGCTTACAAGAAACAGTTCTCTC-3'
Protein context (NP_000960.2, residues 195-215): HRKHIMGQNV[Ala205Thr]DYMRYLMEED

ClinVar aggregate classification (germline): Uncertain significance. Review status: criteria provided, single submitter (1 of 4 stars). 2 submissions from 2 submitters: Uncertain significance (1). 1 of the submissions does not count toward it. Last evaluated 2018-10-20.

Conditions:
Diamond-Blackfan anemia. Also called: Blackfan Diamond syndrome; Aregenerative anemia chronic congenital; Red cell aplasia, pure hereditary; Congenital hypoplastic anemia; Aase syndrome. Identifiers: Orphanet 124, MedGen C1260899, MeSH D029503, MONDO:0015253, HP:0004810.

Allele frequency attached by ClinVar (database versions not stated): gnomAD exomes below 0.00001; TOPMed below 0.00001.
gnomAD v4.1: 1 of 1,612,190 alleles (0.000062%); highest among the groups gnomAD compares: Non-Finnish European, 0.000085%; no homozygotes.

Submissions (2):

Labcorp Genetics (formerly Invitae), Labcorp
Classification: Uncertain significance for Diamond-Blackfan anemia. Last evaluated: 2018-10-20. Review status: criteria provided, single submitter. Criteria: Invitae Variant Classification Sherloc (09022015). Collection method: clinical testing. Allele origin: germline.
Comment: This variant is not present in population databases (ExAC no frequency). This sequence change replaces alanine with threonine at codon 205 of the RPL5 protein (p.Ala205Thr). The alanine residue is highly conserved and there is a small physicochemical difference between alanine and threonine. This variant has not been reported in the literature in individuals with RPL5-related disease. Algorithms developed to predict the effect of missense changes on protein structure and function are either unavailable or do not agree on the potential impact of this missense change (SIFT: "Deleterious"; PolyPhen-2: "Benign"; Align-GVGD: "Class C0"). In summary, the available evidence is currently insufficient to determine the role of this variant in disease. Therefore, it has been classified as a Variant of Uncertain Significance.

Genetic Services Laboratory, University of Chicago
Classification: Uncertain significance. Last evaluated: 2022-05-06. Review status: no assertion criteria provided. Collection method: clinical testing. Allele origin: germline. Affected: no. Not counted in ClinVar's aggregate classification.
Comment: DNA sequence analysis of the RPL5 gene demonstrated a sequence change, c.613G>A, in exon 6 that results in an amino acid change, p.Ala205Thr. This sequence change does not appear to have been previously described in individuals with RPL5-related disorders and has also not been described in population databases such as ExAC and gnomAD. The p.Ala205Thr change affects a moderately conserved amino acid residue located in a domain of the RPL5 protein that is not known to be functional. In-silico pathogenicity prediction tools (SIFT,Align GVGD, REVEL) provide contradictory results for the p.Ala205Thr substitution. Due to insufficient evidences and the lack of functional studies, the clinical significance of the p.Ala205Thr change remains unknown at this time.